The following is an entry in ClinVar:

ClinVar aggregate classification (germline): Likely pathogenic (1 of 4 stars; one submission).

Allele frequency attached by ClinVar (database versions not stated): gnomAD exomes below 0.00001.
gnomAD v4.1: 1 of 1,612,688 alleles (0.000062%); highest among the groups gnomAD compares: South Asian, 0.0011%; no homozygotes.

Submission:

Labcorp Genetics (formerly Invitae), Labcorp
Classification: Likely pathogenic. Last evaluated: 2022-04-12. Review status: criteria provided, single submitter. Criteria: Invitae Variant Classification Sherloc (09022015). Collection method: clinical testing. Allele origin: germline.
Comment: In summary, the currently available evidence indicates that the variant is pathogenic, but additional data are needed to prove that conclusively. Therefore, this variant has been classified as Likely Pathogenic. Algorithms developed to predict the effect of sequence changes on RNA splicing suggest that this variant may disrupt the consensus splice site. This variant has not been reported in the literature in individuals affected with COL4A4-related conditions. This variant is not present in population databases (gnomAD no frequency). This sequence change affects an acceptor splice site in intron 7 of the COL4A4 gene. It is expected to disrupt RNA splicing. Variants that disrupt the donor or acceptor splice site typically lead to a loss of protein function (PMID: 16199547), and loss-of-function variants in COL4A4 are known to be pathogenic (PMID: 21196518, 24854265, 25307543).

Literature cited by the submitters: PubMed 16199547; PubMed 21196518; PubMed 24854265; PubMed 25307543.

NM_000092.5(COL4A4):c.490-1G>C

Gene: COL4A4 (collagen type IV alpha 4 chain; minus strand). Cytogenetic location: 2q36.3.
Variant type: single nucleotide variant.
Coding change: c.490-1G>C on transcript NM_000092.5 (MANE Select); the canonical splice acceptor site of the intron before coding-DNA position 490, G replaced by C.
Molecular consequence: splice acceptor variant.
Genome position (GRCh38, 1-based): chr2:227,114,697, C>G on the plus strand (G>C on the coding strand, the complement: COL4A4 is on the minus strand). VCF-style: chr2-227114697-C-G. GRCh37 (hg19) VCF-style: chr2-227979413-C-G.
Identifiers: ClinVar variation 2125593 (VCV002125593.4), dbSNP rs2475996480, ClinGen allele CA350861570.